The following is an entry in ClinVar:

ClinVar aggregate classification (germline): Uncertain significance. Review status: criteria provided, multiple submitters, no conflicts (2 of 4 stars). 2 submissions from 2 submitters: Uncertain significance (2). Last evaluated 2025-10-07.

Allele frequency attached by ClinVar (database versions not stated): gnomAD 0.00002.
gnomAD v4.1: 31 of 1,614,206 alleles (0.0019%); highest among the groups gnomAD compares: South Asian, 0.033%; 2 homozygotes.

Submissions (2):

Ambry Genetics
Classification: Uncertain significance. Last evaluated: 2025-10-07. Review status: criteria provided, single submitter. Criteria: Ambry Variant Classification Scheme 2023. Collection method: clinical testing. Allele origin: germline.

Labcorp Genetics (formerly Invitae), Labcorp
Classification: Uncertain significance. Last evaluated: 2024-09-21. Review status: criteria provided, single submitter. Criteria: Invitae Variant Classification Sherloc (09022015). Collection method: clinical testing. Allele origin: germline.
Comment: This sequence change replaces aspartic acid, which is acidic and polar, with glutamic acid, which is acidic and polar, at codon 114 of the ANKZF1 protein (p.Asp114Glu). This variant is present in population databases (rs772627468, gnomAD 0.04%). This variant has not been reported in the literature in individuals affected with ANKZF1-related conditions. ClinVar contains an entry for this variant (Variation ID: 2175545). An algorithm developed to predict the effect of missense changes on protein structure and function outputs the following: PolyPhen-2: "Benign". The glutamic acid amino acid residue is found in multiple mammalian species, which suggests that this missense change does not adversely affect protein function. In summary, the available evidence is currently insufficient to determine the role of this variant in disease. Therefore, it has been classified as a Variant of Uncertain Significance.

NM_018089.3(ANKZF1):c.342C>A (p.Asp114Glu)

Gene: ANKZF1 (ankyrin repeat and zinc finger peptidyl tRNA hydrolase 1; plus strand). Cytogenetic location: 2q35.
Variant type: single nucleotide variant.
Coding change: c.342C>A on transcript NM_018089.3 (MANE Select); coding-DNA position 342, C replaced by A.
Protein change: p.Asp114Glu; replaces aspartic acid 114 with glutamic acid.
Molecular consequence: missense variant. On other transcripts: intron variant (1).
Genome position (GRCh38, 1-based): chr2:219,232,340, C>A. VCF-style: chr2-219232340-C-A. GRCh37 (hg19) VCF-style: chr2-220097062-C-A.
Other names: c.342C>A, p.Asp114Glu (NM_001042410.2); c.-266-150C>A (NM_001282792.2); c.342C>A (NM_018089.2); short protein forms D114E.
Identifiers: ClinVar variation 2175545 (VCV002175545.5), dbSNP rs772627468, ClinGen allele CA2120715.